The following is an entry in ClinVar:

NM_014727.3(KMT2B):c.43T>C (p.Ser15Pro)

Gene: KMT2B (lysine methyltransferase 2B; plus strand). Cytogenetic location: 19q13.12.
Variant type: single nucleotide variant.
Coding change: c.43T>C on transcript NM_014727.3 (MANE Select); coding-DNA position 43, T replaced by C.
Protein change: p.Ser15Pro; replaces serine 15 with proline.
Molecular consequence: missense variant.
Genome position (GRCh38, 1-based): chr19:35,718,061, T>C. VCF-style: chr19-35718061-T-C. GRCh37 (hg19) VCF-style: chr19-36208963-T-C.
Other names: c.43T>C (NM_014727.1, NM_014727.2); short protein forms S15P.
Identifiers: ClinVar variation 1954789 (VCV001954789.7), dbSNP rs1306123854, ClinGen allele CA405373946.

ClinVar aggregate classification (germline): Uncertain significance. Review status: criteria provided, multiple submitters, no conflicts (2 of 4 stars). 3 submissions from 3 submitters: Uncertain significance (3). Last evaluated 2024-12-04.

Conditions:
Inborn genetic diseases. Identifiers: MedGen C0950123, MeSH D030342.

Allele frequency attached by ClinVar (database versions not stated): gnomAD 0.00001.
gnomAD v4.1: 1 of 986,076 alleles (0.0001%); highest among the groups gnomAD compares: African/African-American, 0.0018%; no homozygotes.

Submissions (3):

Labcorp Genetics (formerly Invitae), Labcorp
Classification: Uncertain significance. Last evaluated: 2024-12-04. Review status: criteria provided, single submitter. Criteria: Invitae Variant Classification Sherloc (09022015). Collection method: clinical testing. Allele origin: germline.
Comment: This sequence change replaces serine, which is neutral and polar, with proline, which is neutral and non-polar, at codon 15 of the KMT2B protein (p.Ser15Pro). The frequency data for this variant in the population databases is considered unreliable, as metrics indicate insufficient coverage at this position in the gnomAD database. This variant has not been reported in the literature in individuals affected with KMT2B-related conditions. ClinVar contains an entry for this variant (Variation ID: 1954789). Invitae Evidence Modeling of protein sequence and biophysical properties (such as structural, functional, and spatial information, amino acid conservation, physicochemical variation, residue mobility, and thermodynamic stability) indicates that this missense variant is not expected to disrupt KMT2B protein function with a negative predictive value of 95%. In summary, the available evidence is currently insufficient to determine the role of this variant in disease. Therefore, it has been classified as a Variant of Uncertain Significance.

Ambry Genetics
Classification: Uncertain significance for Inborn genetic diseases. Last evaluated: 2024-01-23. Review status: criteria provided, single submitter. Criteria: Ambry Variant Classification Scheme 2023. Collection method: clinical testing. Allele origin: germline.

GeneDx
Classification: Uncertain significance. Last evaluated: 2023-05-18. Review status: criteria provided, single submitter. Criteria: GeneDx Variant Classification Process June 2021. Collection method: clinical testing. Allele origin: germline. Affected: yes.
Comment: Not observed at significant frequency in large population cohorts (gnomAD); In silico analysis supports that this missense variant does not alter protein structure/function; Has not been previously published as pathogenic or benign to our knowledge